The following is an entry in ClinVar:

ClinVar aggregate classification (germline): Conflicting classifications of pathogenicity. Review status: criteria provided, conflicting classifications (1 of 4 stars). 2 submissions from 2 submitters: Uncertain significance (1); Likely benign (1). Last evaluated 2026-01-05.

Conditions:
Familial melanoma. Also called: Hereditary melanoma; Hereditary cutaneous melanoma. Identifiers: Orphanet 618, MedGen C1512419, MONDO:0018961.

Submissions (2):

Labcorp Genetics (formerly Invitae), Labcorp
Classification: Likely benign for Familial melanoma. Last evaluated: 2026-01-05. Review status: criteria provided, single submitter. Criteria: Invitae Variant Classification Sherloc (09022015). Collection method: clinical testing. Allele origin: germline.

Genetic Services Laboratory, University of Chicago
Classification: Uncertain significance. Last evaluated: 2020-04-21. Review status: criteria provided, single submitter. Criteria: ACMG Guidelines, 2015. Collection method: clinical testing. Allele origin: germline. Affected: no.
Comment: DNA sequence analysis of the CDK4 gene demonstrated a sequence change in intron 5, c.633-10C>G. This change does not appear to have been previously described in patients with CDK4-related disorders and has also not been described in population databases (gnomAD, ExAC). This sequence change is not clearly predicted to have a deleterious effect on splicing based on in silico splice prediction programs. It is possible that this sequence change represents a benign sequence change in the CDK4 gene that has not been identified to date. The functional significance of this sequence change is not known at present and its contribution to this patient's disease phenotype cannot definitively be determined.

NM_000075.4(CDK4):c.633-10C>G

Genes: CDK4 (cyclin dependent kinase 4; minus strand), TSPAN31 (tetraspanin 31; plus strand). Cytogenetic location: 12q14.1.
Variant type: single nucleotide variant.
Coding change: c.633-10C>G on transcript NM_000075.4 (MANE Select); 10 bases into the intron before coding-DNA position 633, C replaced by G.
Molecular consequence: intron variant. On other transcripts: 3 prime UTR variant (3).
Genome position (GRCh38, 1-based): chr12:57,749,514, G>C on the plus strand (C>G on the coding strand, the complement: CDK4 is on the minus strand). VCF-style: chr12-57749514-G-C. GRCh37 (hg19) VCF-style: chr12-58143297-G-C.
Other names: c.*2224G>C (NM_001330168.2, NM_001330169.2, NM_005981.5).
Identifiers: ClinVar variation 532287 (VCV000532287.12), dbSNP rs1555201136, ClinGen allele CA658797925.